The following is an entry in ClinVar:

ClinVar aggregate classification (germline): Conflicting classifications of pathogenicity. Review status: criteria provided, conflicting classifications (1 of 4 stars). 3 submissions from 3 submitters: Uncertain significance (2); Likely benign (1). Last evaluated 2025-09-01.

Conditions:
Renal cell carcinoma. Identifiers: Orphanet 217071, MedGen C0007134, MeSH D002292, MONDO:0005086, HP:0005584.
Autosomal recessive nonsyndromic hearing loss 97. Also called: Deafness, autosomal recessive 97. Identifiers: Orphanet 90636, MedGen C4084709, MONDO:0014739, OMIM 616705.
Hereditary cancer-predisposing syndrome. Also called: Tumor predisposition; Neoplastic Syndromes, Hereditary; Hereditary neoplastic syndrome; Hereditary Cancer Syndrome. Identifiers: Orphanet 140162, MedGen C0027672, MeSH D009386, MONDO:0015356.

Allele frequency attached by ClinVar (database versions not stated): gnomAD exomes below 0.00001 and 0.00001; TOPMed below 0.00001; gnomAD 0.00001.

Submissions (3):

Labcorp Genetics (formerly Invitae), Labcorp
Classification: Uncertain significance for Renal cell carcinoma. Last evaluated: 2025-09-01. Review status: criteria provided, single submitter. Criteria: Invitae Variant Classification Sherloc (09022015). Collection method: clinical testing. Allele origin: germline.
Comment: This sequence change replaces asparagine, which is neutral and polar, with threonine, which is neutral and polar, at codon 796 of the MET protein (p.Asn796Thr). This variant is present in population databases (no rsID available, gnomAD 0.0009%). This variant has not been reported in the literature in individuals affected with MET-related conditions. ClinVar contains an entry for this variant (Variation ID: 849997). Invitae Evidence Modeling of protein sequence and biophysical properties (such as structural, functional, and spatial information, amino acid conservation, physicochemical variation, residue mobility, and thermodynamic stability) indicates that this missense variant is not expected to disrupt MET protein function with a negative predictive value of 80%. In summary, the available evidence is currently insufficient to determine the role of this variant in disease. Therefore, it has been classified as a Variant of Uncertain Significance.

Ambry Genetics
Classification: Likely benign for Hereditary cancer-predisposing syndrome. Last evaluated: 2025-04-02. Review status: criteria provided, single submitter. Criteria: Ambry Variant Classification Scheme 2023. Collection method: clinical testing. Allele origin: germline.

Baylor Genetics
Classification: Uncertain significance for Autosomal recessive nonsyndromic hearing loss 97. Last evaluated: 2024-03-11. Review status: criteria provided, single submitter. Criteria: ACMG Guidelines, 2015. Collection method: clinical testing. Allele origin: unknown.

NM_000245.4(MET):c.2333A>C (p.Asn778Thr)

Gene: MET (MET proto-oncogene, receptor tyrosine kinase; plus strand). Cytogenetic location: 7q31.2.
Variant type: single nucleotide variant.
Coding change: c.2333A>C on transcript NM_000245.4 (MANE Select); coding-DNA position 2333, A replaced by C.
Protein change: p.Asn778Thr; replaces asparagine 778 with threonine.
Molecular consequence: missense variant.
Genome position (GRCh38, 1-based): chr7:116,759,459, A>C. VCF-style: chr7-116759459-A-C. GRCh37 (hg19) VCF-style: chr7-116399513-A-C.
Other names: c.2387A>C, p.Asn796Thr (NM_001127500.3); c.2333A>C, p.Asn778Thr (NM_001324401.3); c.1043A>C, p.Asn348Thr (NM_001324402.2); short protein forms N348T, N778T, N796T.
Identifiers: ClinVar variation 849997 (VCV000849997.12), dbSNP rs1205392044, ClinGen allele CA368982413.